The following is an entry in ClinVar:

NM_001276270.2(MBD4):c.1683T>C (p.His561=)

Gene: MBD4 (methyl-CpG binding domain 4, DNA glycosylase; minus strand). Cytogenetic location: 3q21.3.
Variant type: single nucleotide variant.
Coding change: c.1683T>C on transcript NM_001276270.2 (MANE Select); coding-DNA position 1683, T replaced by C.
Protein change: p.His561=; no amino-acid change (histidine 561 retained).
Molecular consequence: synonymous variant. On other transcripts: 3 prime UTR variant (1).
Genome position (GRCh38, 1-based): chr3:129,431,543, A>G on the plus strand (T>C on the coding strand, the complement: MBD4 is on the minus strand). VCF-style: chr3-129431543-A-G. GRCh37 (hg19) VCF-style: chr3-129150386-A-G.
Other names: c.*25T>C (NM_001276272.2); c.747T>C, p.His249= (NM_001276273.2); c.1701T>C, p.His567= (NM_003925.3).
Identifiers: ClinVar variation 4859592 (VCV004859592.2).
Genomic context (GRCh38, chr3:129,431,543, plus strand): 5'-GCTTGAAAGCTGCAGAGTTTAAGATAGACTTAATTTTTCATGATTTTCCCAAAGCCAGTC[A>G]TGATATTTATTTAATTTGTGGTCTTCAGGGTGCACCTGGAAGAAACATAAGATACAGAGG-3'
Protein context (NP_001263199.1, residues 551-571): HPEDHKLNKY[His561=]DWLWENHEKL

ClinVar aggregate classification (germline): Benign/Likely benign. Review status: criteria provided, multiple submitters, no conflicts (2 of 4 stars). 2 submissions from 2 submitters: Benign (1); Likely benign (1). Last evaluated 2026-06-12.

Conditions:
Tumor predisposition syndrome 2 (TPDS2). Also called: MBD4-ASSOCIATED NEOPLASIA SYNDROME; MBD4-Related Tumor Predisposition Syndrome; MBD4-associated neoplasia syndrome (MANS). Identifiers: Orphanet 661526, MedGen C5774186, MONDO:0859267, OMIM 619975.
Inborn genetic diseases. Identifiers: MedGen C0950123, MeSH D030342.

Submissions (2):

Myriad Genetics, Inc.
Classification: Benign for Tumor predisposition syndrome 2. Last evaluated: 2026-06-12. Review status: criteria provided, single submitter. Criteria: Myriad Autosomal Dominant, Autosomal Recessive and X-Linked Classification Criteria (2023). Collection method: clinical testing. Allele origin: unknown.
Comment: This variant is considered benign. This variant is a silent/synonymous amino acid change and it is not expected to impact splicing.

Ambry Genetics
Classification: Likely benign for Inborn genetic diseases. Last evaluated: 2026-04-28. Review status: criteria provided, single submitter. Criteria: Ambry Variant Classification Scheme 2023. Collection method: clinical testing. Allele origin: germline.